The following is an entry in ClinVar:

ClinVar aggregate classification (germline): Benign/Likely benign. Review status: criteria provided, multiple submitters, no conflicts (2 of 4 stars). 7 submissions from 7 submitters: Benign (4); Likely benign (3). Last evaluated 2026-01-12.

Conditions:
Inborn genetic diseases. Identifiers: MedGen C0950123, MeSH D030342.
KBG syndrome (KBGS). Also called: ANKRD11-Related KBG Syndrome. Identifiers: Orphanet 2332, MedGen C0220687, MONDO:0007846, OMIM 148050.

Allele frequency attached by ClinVar (database versions not stated): 1000 Genomes Project 0.00060; 1000 Genomes Project 30x 0.00062; ESP Exome Variant Server 0.00062; gnomAD 0.00046 and 0.00049; TOPMed 0.00057.
gnomAD v4.1: 1,324 of 1,613,920 alleles (0.082%); highest among the groups gnomAD compares: Non-Finnish European, 0.1%; 2 homozygotes.

Submissions (7):

Labcorp Genetics (formerly Invitae), Labcorp
Classification: Benign for KBG syndrome. Last evaluated: 2026-01-12. Review status: criteria provided, single submitter. Criteria: Invitae Variant Classification Sherloc (09022015). Collection method: clinical testing. Allele origin: germline.

CeGaT Center for Human Genetics Tuebingen
Classification: Likely benign. Last evaluated: 2025-08-01. Review status: criteria provided, single submitter. Criteria: CeGaT Center For Human Genetics Tuebingen Variant Classification Criteria Version 2. Collection method: clinical testing. Allele origin: germline. Affected: yes. Observed: 6 variant alleles.
Comment: ANKRD11: BP4, BP7

Blueprint Genetics
Classification: Likely benign. Last evaluated: 2024-11-06. Review status: criteria provided, single submitter. Criteria: ACMG Guidelines, 2015. Collection method: clinical testing. Allele origin: germline.

Genome-Nilou Lab
Classification: Benign for KBG syndrome. Last evaluated: 2021-12-05. Review status: criteria provided, single submitter. Criteria: ACMG Guidelines, 2015. Collection method: clinical testing. Allele origin: germline. Affected: no.

GeneDx
Classification: Benign. Last evaluated: 2020-03-03. Review status: criteria provided, single submitter. Criteria: GeneDx Variant Classification Process June 2021. Collection method: clinical testing. Allele origin: germline. Affected: yes.

Athena Diagnostics
Classification: Benign. Last evaluated: 2018-01-19. Review status: criteria provided, single submitter. Criteria: Athena Diagnostics Criteria. Collection method: clinical testing. Allele origin: germline.

Ambry Genetics
Classification: Likely benign for Inborn genetic diseases. Last evaluated: 2017-02-03. Review status: criteria provided, single submitter. Criteria: Ambry Variant Classification Scheme 2023. Collection method: clinical testing. Allele origin: germline.

NM_013275.6(ANKRD11):c.306G>C (p.Leu102=)

Gene: ANKRD11 (ankyrin repeat domain 11; minus strand). Cytogenetic location: 16q24.3.
Variant type: single nucleotide variant.
Coding change: c.306G>C on transcript NM_013275.6 (MANE Select); coding-DNA position 306, G replaced by C.
Protein change: p.Leu102=; no amino-acid change (leucine 102 retained).
Molecular consequence: synonymous variant. On other transcripts: non-coding transcript variant (1).
Genome position (GRCh38, 1-based): chr16:89,291,104, C>G on the plus strand (G>C on the coding strand, the complement: ANKRD11 is on the minus strand). VCF-style: chr16-89291104-C-G. GRCh37 (hg19) VCF-style: chr16-89357512-C-G.
Other names: c.306G>C, p.Leu102= (NM_001256182.2, NM_001256183.2).
Identifiers: ClinVar variation 585406 (VCV000585406.42), dbSNP rs150497848, ClinGen allele CA8243124.